The following is an entry in ClinVar:

ClinVar aggregate classification (germline): Likely benign. Review status: criteria provided, multiple submitters, no conflicts (2 of 4 stars). 3 submissions from 3 submitters: Likely benign (3). Last evaluated 2024-11-13.

Conditions:
RPGRIP1-related disorder. Also called: RPGRIP1-related condition.
Leber congenital amaurosis 6 (LCA6). Identifiers: Orphanet 65, MedGen C1854260, MONDO:0013446, OMIM 613826.
Cone-rod dystrophy 13 (CORD13). Identifiers: Orphanet 1872, MedGen C2750720, MONDO:0011987, OMIM 608194.

Allele frequency attached by ClinVar (database versions not stated): ExAC 0.00002; gnomAD exomes 0.00002 and 0.00004; ESP Exome Variant Server 0.00008; gnomAD 0.00009; TOPMed 0.00010.
gnomAD v4.1: 55 of 1,590,576 alleles (0.0035%); highest among the groups gnomAD compares: Middle Eastern, 0.18%; no homozygotes.

Submissions (3):

Labcorp Genetics (formerly Invitae), Labcorp
Classification: Likely benign for Leber congenital amaurosis 6; Cone-rod dystrophy 13. Last evaluated: 2024-11-13. Review status: criteria provided, single submitter. Criteria: Invitae Variant Classification Sherloc (09022015). Collection method: clinical testing. Allele origin: germline.

PreventionGenetics, part of Exact Sciences
Classification: Likely benign for RPGRIP1-related condition. Last evaluated: 2024-10-28. Review status: criteria provided, single submitter. Criteria: ACMG Guidelines, 2015. Collection method: clinical testing. Allele origin: germline.
Comment: This variant is classified as likely benign based on ACMG/AMP sequence variant interpretation guidelines (Richards et al. 2015 PMID: 25741868, with internal and published modifications).

Blueprint Genetics
Classification: Likely benign. Last evaluated: 2023-06-16. Review status: criteria provided, single submitter. Criteria: ACMG Guidelines, 2015. Collection method: clinical testing. Allele origin: germline.

NM_020366.4(RPGRIP1):c.528G>A (p.Ser176=)

Gene: RPGRIP1 (RPGR interacting protein 1; plus strand). Cytogenetic location: 14q11.2.
Variant type: single nucleotide variant.
Coding change: c.528G>A on transcript NM_020366.4 (MANE Select); coding-DNA position 528, G replaced by A.
Protein change: p.Ser176=; no amino-acid change (serine 176 retained).
Molecular consequence: synonymous variant.
Genome position (GRCh38, 1-based): chr14:21,302,525, G>A. VCF-style: chr14-21302525-G-A. GRCh37 (hg19) VCF-style: chr14-21770684-G-A.
Identifiers: ClinVar variation 764321 (VCV000764321.11), dbSNP rs375351235, ClinGen allele CA7088684.